The following is an entry in ClinVar:

NM_024529.5(CDC73):c.1067G>T (p.Gly356Val)

Gene: CDC73 (cell division cycle 73; plus strand). Cytogenetic location: 1q31.2.
Variant type: single nucleotide variant.
Coding change: c.1067G>T on transcript NM_024529.5 (MANE Select); coding-DNA position 1067, G replaced by T.
Protein change: p.Gly356Val; replaces glycine 356 with valine.
Molecular consequence: missense variant.
Genome position (GRCh38, 1-based): chr1:193,212,390, G>T. VCF-style: chr1-193212390-G-T. GRCh37 (hg19) VCF-style: chr1-193181520-G-T.
Other names: short protein forms G356V.
Identifiers: ClinVar variation 1380687 (VCV001380687.9), dbSNP rs2102038477, ClinGen allele CA344077510.

ClinVar aggregate classification (germline): Uncertain significance. Review status: criteria provided, multiple submitters, no conflicts (2 of 4 stars). 2 submissions from 2 submitters: Uncertain significance (2). Last evaluated 2022-08-16.

Conditions:
Hereditary cancer-predisposing syndrome. Also called: Tumor predisposition; Neoplastic Syndromes, Hereditary; Hereditary Cancer Syndrome; Hereditary neoplastic syndrome. Identifiers: Orphanet 140162, MedGen C0027672, MeSH D009386, MONDO:0015356.
Parathyroid carcinoma (PRTC). Also called: CDC73-Related Parathyroid Carcinoma; Parathyroid gland carcinoma. Identifiers: Orphanet 143, MedGen C0687150, MONDO:0012004, OMIM 608266, HP:0006780.

Submissions (2):

Ambry Genetics
Classification: Uncertain significance for Hereditary cancer-predisposing syndrome. Last evaluated: 2022-08-16. Review status: criteria provided, single submitter. Criteria: Ambry Variant Classification Scheme 2023. Collection method: clinical testing. Allele origin: germline.
Comment: The p.G356V variant (also known as c.1067G>T) is located in coding exon 13 of the CDC73 gene. The glycine at codon 356 is replaced by valine, an amino acid with dissimilar properties. This change occurs in the first base pair of coding exon 13. This amino acid position is conserved. In addition, the in silico prediction for this alteration is inconclusive. Since supporting evidence is limited at this time, the clinical significance of this alteration remains unclear.

Labcorp Genetics (formerly Invitae), Labcorp
Classification: Uncertain significance for Parathyroid carcinoma. Last evaluated: 2021-07-26. Review status: criteria provided, single submitter. Criteria: Invitae Variant Classification Sherloc (09022015). Collection method: clinical testing. Allele origin: germline.
Comment: Algorithms developed to predict the effect of missense changes on protein structure and function (SIFT, PolyPhen-2, Align-GVGD) all suggest that this variant is likely to be tolerated. This variant has not been reported in the literature in individuals affected with CDC73-related conditions. This variant is not present in population databases (ExAC no frequency). This sequence change replaces glycine with valine at codon 356 of the CDC73 protein (p.Gly356Val). The glycine residue is moderately conserved and there is a moderate physicochemical difference between glycine and valine. Algorithms developed to predict the effect of sequence changes on RNA splicing suggest that this variant may disrupt the consensus splice site. In summary, the available evidence is currently insufficient to determine the role of this variant in disease. Therefore, it has been classified as a Variant of Uncertain Significance.